The following is an entry in ClinVar:

ClinVar aggregate classification (germline): Uncertain significance (1 of 4 stars; one submission).

Conditions:
Developmental and epileptic encephalopathy, 12 (DEE12). Identifiers: MedGen C3150988, MONDO:0013389, OMIM 613722.

Allele frequency attached by ClinVar (database versions not stated): gnomAD exomes below 0.00001.
gnomAD v4.1: 1 of 1,613,980 alleles (0.000062%); highest among the groups gnomAD compares: African/African-American, 0.0013%; no homozygotes.

Submission:

Labcorp Genetics (formerly Invitae), Labcorp
Classification: Uncertain significance for Developmental and epileptic encephalopathy, 12. Last evaluated: 2022-07-18. Review status: criteria provided, single submitter. Criteria: Invitae Variant Classification Sherloc (09022015). Collection method: clinical testing. Allele origin: germline.
Comment: In summary, the available evidence is currently insufficient to determine the role of this variant in disease. Therefore, it has been classified as a Variant of Uncertain Significance. Algorithms developed to predict the effect of sequence changes on RNA splicing suggest that this variant may disrupt the consensus splice site. Algorithms developed to predict the effect of missense changes on protein structure and function are either unavailable or do not agree on the potential impact of this missense change (SIFT: "Deleterious"; PolyPhen-2: "Probably Damaging"; Align-GVGD: "Class C0"). ClinVar contains an entry for this variant (Variation ID: 1466319). This variant has not been reported in the literature in individuals affected with PNKP-related conditions. This variant is not present in population databases (gnomAD no frequency). This sequence change replaces valine, which is neutral and non-polar, with glycine, which is neutral and non-polar, at codon 64 of the PNKP protein (p.Val64Gly).

NM_007254.4(PNKP):c.191T>G (p.Val64Gly)

Gene: PNKP (polynucleotide kinase 3'-phosphatase; minus strand). Cytogenetic location: 19q13.33.
Variant type: single nucleotide variant.
Coding change: c.191T>G on transcript NM_007254.4 (MANE Select); coding-DNA position 191, T replaced by G.
Protein change: p.Val64Gly; replaces valine 64 with glycine.
Molecular consequence: missense variant.
Genome position (GRCh38, 1-based): chr19:49,866,406, A>C on the plus strand (T>G on the coding strand, the complement: PNKP is on the minus strand). VCF-style: chr19-49866406-A-C. GRCh37 (hg19) VCF-style: chr19-50369663-A-C.
Other names: short protein forms V64G.
Identifiers: ClinVar variation 1466319 (VCV001466319.8), dbSNP rs1600422789, ClinGen allele CA406893065.